The following is an entry in ClinVar:

ClinVar aggregate classification (germline): Uncertain significance (1 of 4 stars; one submission).

Conditions:
Inborn genetic diseases. Identifiers: MedGen C0950123, MeSH D030342.

Submission:

Ambry Genetics
Classification: Uncertain significance for Inborn genetic diseases. Last evaluated: 2025-08-31. Review status: criteria provided, single submitter. Criteria: Ambry Variant Classification Scheme 2023. Collection method: clinical testing. Allele origin: germline.
Comment: The p.A427V variant (also known as c.1280C>T), located in coding exon 7 of the RECQL4 gene, results from a C to T substitution at nucleotide position 1280. The alanine at codon 427 is replaced by valine, an amino acid with similar properties. This amino acid position is conserved. In addition, this alteration is predicted to be tolerated by in silico analysis. Based on the available evidence, the clinical significance of this variant remains unclear.

NM_004260.4(RECQL4):c.1280C>T (p.Ala427Val)

Gene: RECQL4 (RecQ like helicase 4; minus strand). Cytogenetic location: 8q24.3.
Variant type: single nucleotide variant.
Coding change: c.1280C>T on transcript NM_004260.4 (MANE Select); coding-DNA position 1280, C replaced by T.
Protein change: p.Ala427Val; replaces alanine 427 with valine.
Molecular consequence: missense variant. On other transcripts: 5 prime UTR variant (1), non-coding transcript variant (3).
Genome position (GRCh38, 1-based): chr8:144,515,436, G>A on the plus strand (C>T on the coding strand, the complement: RECQL4 is on the minus strand). VCF-style: chr8-144515436-G-A. GRCh37 (hg19) VCF-style: chr8-145740820-G-A.
Other names: c.1280C>T, p.Ala427Val (NM_001413039.1, NM_001413018.1, NM_001413019.1 and 2 more transcripts); c.209C>T, p.Ala70Val (NM_001413040.1, NM_001413042.1, NM_001413021.1 and 8 more transcripts); c.143C>T, p.Ala48Val (NM_001413041.1, NM_001413027.1, NM_001413030.1 and 2 more transcripts); c.-188C>T (NM_001413043.1); c.1184C>T, p.Ala395Val (NM_001413017.1, NM_001413020.1); c.1151C>T, p.Ala384Val (NM_001413025.1); c.929C>T, p.Ala310Val (NM_001413029.1); short protein forms A48V, A70V, A427V, A310V, A384V, A395V.
Identifiers: ClinVar variation 4152436 (VCV004152436.1).